The following is an entry in ClinVar:

NC_012920.1(MT-ND1):m.4180A>G

Gene: MT-ND1 (mitochondrially encoded NADH dehydrogenase 1; plus strand).
Variant type: single nucleotide variant.
Genome position: chrM-4180-A-G.
Identifiers: ClinVar variation 692432 (VCV000692432.1), dbSNP rs1603219342, ClinGen allele CA414774363.

ClinVar aggregate classification (germline): Uncertain significance (1 of 4 stars; one submission).

Conditions:
Leigh syndrome (NULS). Also called: Leigh's necrotizing encephalopathy; Leigh's disease; Leigh Syndrome (mtDNA deletion); Leigh Disease; Subacute necrotizing encephalopathy; Necrotizing encephalopathy infantile subacute of Leigh. Identifiers: Orphanet 506, MedGen C2931891, MONDO:0009723, OMIM 256000.

Submission:

Wong Mito Lab, Molecular and Human Genetics, Baylor College of Medicine
Classification: Uncertain significance for Leigh syndrome. Last evaluated: 2019-10-17. Review status: criteria provided, single submitter. Criteria: Modified ACMG Guidelines (Unpublished). Collection method: clinical testing. Allele origin: germline.
Comment: The NC_012920.1:m.4180A>G (YP_003024026.1:p.Asn292Asp) variant in MTND1 gene is interpretated to be a Uncertain Significance variant based on the modified ACMG guidelines (unpublished). This variant meets the following evidence codes: BP6